The following is an entry in ClinVar:

NM_001142800.2(EYS):c.1603del (p.Cys535fs)

Gene: EYS (EGF-like photoreceptor maintenance factor; minus strand). Cytogenetic location: 6q12.
Variant type: Deletion.
Coding change: c.1603del on transcript NM_001142800.2 (MANE Select); coding-DNA position 1603, one base deleted (T; older notation c.1603delT).
Protein change: p.Cys535fs; shifts the reading frame from cysteine 535.
Molecular consequence: frameshift variant.
Genome position (GRCh38, 1-based): chr6:65,335,143, A deleted on the plus strand (T on the coding strand, the reverse complement: EYS is on the minus strand); the first of 3 consecutive A bases (chr6:65,335,143-65,335,145); deleting any one gives the same sequence. VCF-style (leftmost placement, unchanged base first): chr6-65335142-CA-C. GRCh37 (hg19) VCF-style: chr6-66045035-CA-C.
Other names: c.1603del, p.Cys535fs (NM_001142801.2, NM_001292009.2, NM_198283.2); short protein forms C535fs.
Identifiers: ClinVar variation 1074399 (VCV001074399.11), dbSNP rs2150313808, ClinGen allele CA2499218488.

ClinVar aggregate classification (germline): Pathogenic/Likely pathogenic. Review status: criteria provided, multiple submitters, no conflicts (2 of 4 stars). 3 submissions from 3 submitters: Pathogenic (2); Likely pathogenic (1). Last evaluated 2023-12-16.

Conditions:
Retinitis pigmentosa 25 (RP25). Identifiers: Orphanet 791, MedGen C1864446, MONDO:0011272, OMIM 602772.

Submissions (3):

Baylor Genetics
Classification: Likely pathogenic for Retinitis pigmentosa 25. Last evaluated: 2023-12-16. Review status: criteria provided, single submitter. Criteria: ACMG Guidelines, 2015. Collection method: clinical testing. Allele origin: unknown.

Labcorp Genetics (formerly Invitae), Labcorp
Classification: Pathogenic. Last evaluated: 2023-04-14. Review status: criteria provided, single submitter. Criteria: Invitae Variant Classification Sherloc (09022015). Collection method: clinical testing. Allele origin: germline.
Comment: For these reasons, this variant has been classified as Pathogenic. ClinVar contains an entry for this variant (Variation ID: 1074399). This variant has not been reported in the literature in individuals affected with EYS-related conditions. This variant is not present in population databases (gnomAD no frequency). This sequence change creates a premature translational stop signal (p.Cys535Valfs*8) in the EYS gene. It is expected to result in an absent or disrupted protein product. Loss-of-function variants in EYS are known to be pathogenic (PMID: 18836446, 20333770).

Institute of Medical Genetics and Applied Genomics, University Hospital Tübingen
Classification: Pathogenic. Last evaluated: 2021-09-15. Review status: criteria provided, single submitter. Criteria: ACMG Guidelines, 2015. Collection method: clinical testing. Allele origin: germline. Inheritance: Autosomal recessive inheritance. Affected: yes.

Literature cited by the submitters: PubMed 18836446 (cited by Labcorp Genetics (formerly Invitae), Labcorp); PubMed 20333770 (cited by Labcorp Genetics (formerly Invitae), Labcorp).